The following is an entry in ClinVar:

ClinVar aggregate classification (germline): Uncertain significance (1 of 4 stars; one submission).

Conditions:
Autoinflammation, immune dysregulation, and eosinophilia. Also called: ATOPIC DERMATITIS, ENTERITIS, COLITIS, AND EOSINOPHILIA. Identifiers: MedGen C5436572, MONDO:0033558, OMIM 618999.

gnomAD v4.1: 4 of 1,612,532 alleles (0.00025%); highest among the groups gnomAD compares: Non-Finnish European, 0.00034%; no homozygotes.

Submission:

OLLIN Analises Genomicas, OLLIN
Classification: Uncertain significance for Autoinflammation, immune dysregulation, and eosinophilia. Last evaluated: 2026-08-06. Review status: criteria provided, single submitter. Criteria: ACMG Guidelines 2015 PMID 25741868. Collection method: clinical testing. Allele origin: germline. Inheritance: Autosomal dominant inheritance.
Comment: This missense variant, located in exon 8 (of 25), has been observed in gnomAD with an allele frequency of 0.00025%, but has not been reported in ClinVar or identified in the literature. In silico analysis predicts that this variant has a tolerated effect. According to the currently available evidence, this variant has been classified as uncertain significance (PM2_P, BP4_M).

NM_002227.4(JAK1):c.1009G>A (p.Glu337Lys)

Gene: JAK1 (Janus kinase 1; minus strand). Cytogenetic location: 1p31.3.
Variant type: single nucleotide variant.
Coding change: c.1009G>A on transcript NM_002227.4 (MANE Select); coding-DNA position 1009, G replaced by A.
Protein change: p.Glu337Lys; replaces glutamic acid 337 with lysine.
Molecular consequence: missense variant.
Genome position (GRCh38, 1-based): chr1:64,864,954, C>T on the plus strand (G>A on the coding strand, the complement: JAK1 is on the minus strand). VCF-style: chr1-64864954-C-T. GRCh37 (hg19) VCF-style: chr1-65330637-C-T.
Other names: c.1009G>A, p.Glu337Lys (NM_001320923.2, NM_001321852.2, NM_001321853.2 and 4 more transcripts); short protein forms E337K.
Identifiers: ClinVar variation 5002730 (VCV005002730.1).